The following is an entry in ClinVar:

ClinVar aggregate classification (germline): Uncertain significance. Review status: criteria provided, multiple submitters, no conflicts (2 of 4 stars). 11 submissions from 7 submitters: Uncertain significance (11). Last evaluated 2026-03-23.

Conditions:
Cardiovascular phenotype. Identifiers: MedGen CN230736.
Early-onset myopathy with fatal cardiomyopathy (CMYO5). Also called: CONGENITAL MYOPATHY 5 WITH CARDIOMYOPATHY; Salih Myopathy. Identifiers: Orphanet 289377, MedGen C2673677, MONDO:0012714, OMIM 611705. Disease mechanism: loss of function.
Autosomal recessive limb-girdle muscular dystrophy type 2J (LGMDR10). Also called: MUSCULAR DYSTROPHY, LIMB-GIRDLE, AUTOSOMAL RECESSIVE 10; Limb-girdle muscular dystrophy, type 2J. Identifiers: Orphanet 140922, MedGen C1837342, MONDO:0012127, OMIM 608807.
Myopathy, myofibrillar, 9, with early respiratory failure (MFM9). Also called: EDSTROM MYOPATHY; MYOPATHY, PROXIMAL, WITH EARLY RESPIRATORY MUSCLE INVOLVEMENT; Myopathy, distal, with early respiratory failure, autosomal dominant; Hereditary myopathy with early respiratory failure. Identifiers: Orphanet 178464, Orphanet 34521, MedGen C1863599, MONDO:0011362, OMIM 603689.
Dilated cardiomyopathy 1G (CMD1G). Identifiers: Orphanet 154, MedGen C1858763, MONDO:0011400, OMIM 604145.
Tibial muscular dystrophy (TMD). Also called: UDD MYOPATHY; Tibial muscular dystrophy, tardive; Udd Distal Myopathy – Tibial Muscular Dystrophy. Identifiers: Orphanet 609, MedGen C1838244, MONDO:0010870, OMIM 600334.

Allele frequency attached by ClinVar (database versions not stated): gnomAD 0.00001 and 0.00002; gnomAD exomes 0.00001 and 0.00002; TOPMed 0.00003.
gnomAD v4.1: 33 of 1,613,702 alleles (0.002%); highest among the groups gnomAD compares: Non-Finnish European, 0.0025%; no homozygotes.

Submissions (11):

Women's Health and Genetics/Laboratory Corporation of America, LabCorp
Classification: Uncertain significance. Last evaluated: 2026-03-23. Review status: criteria provided, single submitter. Criteria: LabCorp Variant Classification Summary - May 2015. Collection method: clinical testing. Allele origin: germline.
Comment: Variant summary: TTN c.87764A>G (p.His29255Arg) results in a non-conservative amino acid change in the encoded protein sequence. Algorithms developed to predict the effect of missense changes on protein structure and function are either unavailable or do not agree on the potential impact of this missense change. The variant allele was found at a frequency of 8e-06 in 248884 control chromosomes. The available data on variant occurrences in the general population are insufficient to allow any conclusion about variant significance. To our knowledge, no occurrence of c.87764A>G in individuals affected with TTN-related conditions and no experimental evidence demonstrating its impact on protein function have been reported. ClinVar contains an entry for this variant (Variation ID: 203013). Based on the evidence outlined above, the variant was classified as uncertain significance.

Revvity Omics, Revvity
Classification: Uncertain significance. Last evaluated: 2023-09-23. Review status: criteria provided, single submitter. Criteria: ACMG Guidelines, 2015. Collection method: clinical testing. Allele origin: germline.

Ambry Genetics
Classification: Uncertain significance for Cardiovascular phenotype. Last evaluated: 2020-08-24. Review status: criteria provided, single submitter. Criteria: Ambry Variant Classification Scheme 2023. Collection method: clinical testing. Allele origin: germline.
Comment: The p.H22758R variant (also known as c.68273A>G), located in coding exon 171 of the TTN gene, results from an A to G substitution at nucleotide position 68273. The histidine at codon 22758 is replaced by arginine, an amino acid with highly similar properties. This amino acid position is highly conserved in available vertebrate species. In addition, this alteration is predicted to be tolerated by in silico analysis. Since supporting evidence is limited at this time, the clinical significance of this alteration remains unclear.

Eurofins Ntd Llc (ga)
Classification: Uncertain significance. Last evaluated: 2018-06-25. Review status: criteria provided, single submitter. Criteria: EGL ClinVar v180209 classification definitions. Collection method: clinical testing. Allele origin: germline. Observed: 1 variant allele, 1 heterozygote.

Illumina Laboratory Services, Illumina
Classification: Uncertain significance for Dilated cardiomyopathy 1G. Last evaluated: 2018-01-13. Review status: criteria provided, single submitter. Criteria: ICSL Variant Classification Criteria 13 December 2019. Collection method: clinical testing. Allele origin: germline.

Illumina Laboratory Services, Illumina
Classification: Uncertain significance for Myopathy, myofibrillar, 9, with early respiratory failure. Last evaluated: 2018-01-13. Review status: criteria provided, single submitter. Criteria: ICSL Variant Classification Criteria 13 December 2019. Collection method: clinical testing. Allele origin: germline.

Illumina Laboratory Services, Illumina
Classification: Uncertain significance for Early-onset myopathy with fatal cardiomyopathy. Last evaluated: 2018-01-13. Review status: criteria provided, single submitter. Criteria: ICSL Variant Classification Criteria 13 December 2019. Collection method: clinical testing. Allele origin: germline.

Illumina Laboratory Services, Illumina
Classification: Uncertain significance for Tibial muscular dystrophy. Last evaluated: 2018-01-13. Review status: criteria provided, single submitter. Criteria: ICSL Variant Classification Criteria 13 December 2019. Collection method: clinical testing. Allele origin: germline.

Illumina Laboratory Services, Illumina
Classification: Uncertain significance for Autosomal recessive limb-girdle muscular dystrophy type 2J. Last evaluated: 2018-01-13. Review status: criteria provided, single submitter. Criteria: ICSL Variant Classification Criteria 13 December 2019. Collection method: clinical testing. Allele origin: germline.

Laboratory for Molecular Medicine, Mass General Brigham Personalized Medicine
Classification: Uncertain significance. Last evaluated: 2015-03-16. Review status: criteria provided, single submitter. Criteria: LMM Criteria. Collection method: clinical testing. Allele origin: germline. Observed: 1 variant allele.
Comment: The p.His29255Arg variant in TTN has not been previously reported in individuals with cardiomyopathy or in large population studies. Computational prediction to ols and conservation analysis do not provide strong support for or against an im pact to the protein. In summary, the clinical significance of the p.His29255Arg variant is uncertain.

GeneDx
Classification: Uncertain significance. Last evaluated: 2014-11-17. Review status: criteria provided, single submitter. Criteria: GeneDx Variant Classification (06012015). Collection method: clinical testing. Allele origin: germline. Affected: yes.
Comment: Missense variants in the TTN gene are considered 'unclassified' if they are not previously reported in the literature and do not have >1% frequency in the population to be considered a polymorphism. Research indicates that truncating mutations in the TTN gene are expected to account for approximately 25% of familial and 18% of sporadic idiopathic DCM; however, truncating variants in the TTN gene have been reported in approximately 3% of reported control alleles. There has been little investigation into non-truncating variants. (Herman D et al. Truncations of titin causing dilated cardiomyopathy. N Eng J Med 366:619-628, 2012) The variant is found in CARDIOMYOPATHY panel(s).

NM_001267550.2(TTN):c.95468A>G (p.His31823Arg)

Genes: TTN (titin; minus strand), TTN-AS1 (TTN antisense RNA 1; plus strand). Cytogenetic location: 2q31.2.
Variant type: single nucleotide variant.
Coding change: c.95468A>G on transcript NM_001267550.2 (MANE Select); coding-DNA position 95468, A replaced by G.
Protein change: p.His31823Arg; replaces histidine 31823 with arginine.
Molecular consequence: missense variant.
Genome position (GRCh38, 1-based): chr2:178,545,642, T>C on the plus strand (A>G on the coding strand, the complement: TTN is on the minus strand). VCF-style: chr2-178545642-T-C. GRCh37 (hg19) VCF-style: chr2-179410369-T-C.
Other names: p.H30182R:CAT>CGT; c.68273A>G, p.His22758Arg (NM_003319.4); c.68648A>G, p.His22883Arg (NM_133432.3); c.68849A>G, p.His22950Arg (NM_133437.4); c.90545A>G, p.His30182Arg (NM_001256850.1); c.87764A>G, p.His29255Arg (NM_133378.4); short protein forms H30182R, H31823R, H29255R, H22758R, H22883R, H22950R.
Identifiers: ClinVar variation 203013 (VCV000203013.18), dbSNP rs794729539, ClinGen allele CA310977.